The following is an entry in ClinVar:

ClinVar aggregate classification (germline): Benign. Review status: criteria provided, multiple submitters, no conflicts (2 of 4 stars). 3 submissions from 3 submitters: Benign (2). 1 of the submissions does not count toward it. Last evaluated 2026-02-02.

Conditions:
PCLO-related disorder. Also called: PCLO-related condition.

Allele frequency attached by ClinVar (database versions not stated): gnomAD 0.01666 and 0.01553; gnomAD exomes 0.00160 and 0.00379; ExAC 0.00483; ESP Exome Variant Server 0.01556; 1000 Genomes Project 30x 0.01686; TOPMed 0.01763; 1000 Genomes Project 0.01777.
gnomAD v4.1: 4,827 of 1,613,506 alleles (0.3%); highest among the groups gnomAD compares: African/African-American, 5.5%; 117 homozygotes.

Submissions (3):

Labcorp Genetics (formerly Invitae), Labcorp
Classification: Benign. Last evaluated: 2026-02-02. Review status: criteria provided, single submitter. Criteria: Invitae Variant Classification Sherloc (09022015). Collection method: clinical testing. Allele origin: germline.

Breakthrough Genomics
Classification: Benign. Review status: criteria provided, single submitter. Criteria: ACMG Guidelines, 2015. Collection method: not provided. Allele origin: germline. Inheritance: Autosomal recessive inheritance. Affected: yes.

PreventionGenetics, part of Exact Sciences
Classification: Benign for PCLO-related condition. Last evaluated: 2019-04-10. Review status: no assertion criteria provided. Collection method: clinical testing. Allele origin: germline. Not counted in ClinVar's aggregate classification.
Comment: This variant is classified as benign based on ACMG/AMP sequence variant interpretation guidelines (Richards et al. 2015 PMID: 25741868, with internal and published modifications).

NM_033026.6(PCLO):c.5696A>C (p.Gln1899Pro)

Gene: PCLO (piccolo presynaptic cytomatrix protein; minus strand). Cytogenetic location: 7q21.11.
Variant type: single nucleotide variant.
Coding change: c.5696A>C on transcript NM_033026.6 (MANE Select); coding-DNA position 5696, A replaced by C.
Protein change: p.Gln1899Pro; replaces glutamine 1899 with proline.
Molecular consequence: missense variant.
Genome position (GRCh38, 1-based): chr7:82,955,257, T>G on the plus strand (A>C on the coding strand, the complement: PCLO is on the minus strand). VCF-style: chr7-82955257-T-G. GRCh37 (hg19) VCF-style: chr7-82584573-T-G.
Other names: c.5696A>C, p.Gln1899Pro (NM_014510.3); short protein forms Q1899P.
Identifiers: ClinVar variation 768169 (VCV000768169.14), dbSNP rs116500695, ClinGen allele CA4320599.